The following is an entry in ClinVar:

ClinVar aggregate classification (germline): Uncertain significance (1 of 4 stars; one submission).

Submission:

GeneDx
Classification: Uncertain significance. Last evaluated: 2022-09-14. Review status: criteria provided, single submitter. Criteria: GeneDx Variant Classification Process June 2021. Collection method: clinical testing. Allele origin: germline. Affected: yes.
Comment: Not observed at significant frequency in large population cohorts (gnomAD); In silico analysis supports that this missense variant has a deleterious effect on protein structure/function; Has not been previously published as pathogenic or benign to our knowledge

NM_001374828.1(ARID1B):c.6785C>T (p.Ala2262Val)

Gene: ARID1B (AT-rich interaction domain 1B; plus strand). Cytogenetic location: 6q25.3.
Variant type: single nucleotide variant.
Coding change: c.6785C>T on transcript NM_001374828.1 (MANE Select); coding-DNA position 6785, C replaced by T.
Protein change: p.Ala2262Val; replaces alanine 2262 with valine.
Molecular consequence: missense variant.
Genome position (GRCh38, 1-based): chr6:157,207,557, C>T. VCF-style: chr6-157207557-C-T. GRCh37 (hg19) VCF-style: chr6-157528691-C-T.
Other names: c.6536C>T, p.Ala2179Val (NM_001346813.1); c.4286C>T, p.Ala1429Val (NM_001363725.2); c.6665C>T, p.Ala2222Val (NM_001371656.1, NM_001374820.1); c.6626C>T, p.Ala2209Val (NM_017519.3); c.6416C>T, p.Ala2139Val (NM_020732.3); c.6203C>T, p.Ala2068Val (NM_175863.2); short protein forms A1429V, A2068V, A2139V, A2179V, A2209V, A2222V, A2262V.
Identifiers: ClinVar variation 2444664 (VCV002444664.1), dbSNP rs2128398494, ClinGen allele CA366249055.